The following is an entry in ClinVar:

ClinVar aggregate classification (germline): Pathogenic (1 of 4 stars; one submission).

Conditions:
Polycystic kidney disease, adult type (PKD1). Also called: POLYCYSTIC KIDNEY DISEASE 1 WITH OR WITHOUT POLYCYSTIC LIVER DISEASE; POLYCYSTIC KIDNEY DISEASE, ADULT, TYPE I; Polycystic Kidney Disease 1, Autosomal Dominant; Polycystic kidney disease 1; Polycystic kidney disease 1, severe; Polycystic Kidney, Autosomal Dominant. Identifiers: MedGen C3149841, MONDO:0008263, OMIM 173900.

Submission:

Juno Genomics, Hangzhou Juno Genomics, Inc
Classification: Pathogenic for Polycystic kidney disease, adult type. Review status: criteria provided, single submitter. Criteria: ACMG Guidelines, 2015. Collection method: clinical testing. Allele origin: germline. Affected: yes.
Comment: Absent from controls (or at extremely low frequency if recessive) in Genome Aggregation Database.;Null variant in a gene where loss of function (LOF) is a known mechanism of disease.;Patient's phenotype or family history is highly specific for a disease with a single genetic etiology.

NM_001009944.3(PKD1):c.6442G>T (p.Glu2148Ter)

Gene: PKD1 (polycystin 1, transient receptor potential channel interacting; minus strand). Cytogenetic location: 16p13.3.
Variant type: single nucleotide variant.
Coding change: c.6442G>T on transcript NM_001009944.3 (MANE Select); coding-DNA position 6442, G replaced by T.
Protein change: p.Glu2148Ter; replaces glutamic acid 2148 with a stop codon.
Molecular consequence: nonsense.
Genome position (GRCh38, 1-based): chr16:2,108,725, C>A on the plus strand (G>T on the coding strand, the complement: PKD1 is on the minus strand). VCF-style: chr16-2108725-C-A. GRCh37 (hg19) VCF-style: chr16-2158726-C-A.
Other names: c.6442G>T, p.Glu2148Ter (NM_000296.4); short protein forms E2148*.
Identifiers: ClinVar variation 5019877 (VCV005019877.1).